The following is an entry in ClinVar:

ClinVar aggregate classification (germline): Uncertain significance. Review status: criteria provided, multiple submitters, no conflicts (2 of 4 stars). 5 submissions from 5 submitters: Uncertain significance (5). Last evaluated 2026-05-20.

Conditions:
Inborn genetic diseases. Identifiers: MedGen C0950123, MeSH D030342.
Ullrich congenital muscular dystrophy 2 (UCMD2). Identifiers: Orphanet 75840, MedGen C4225314, MONDO:0014654, OMIM 616470.
Bethlem myopathy 2 (BTHLM2). Identifiers: Orphanet 536516, Orphanet 610, MedGen C4225313, MONDO:0034022, OMIM 616471.

Allele frequency attached by ClinVar (database versions not stated): gnomAD 0.00001; gnomAD exomes below 0.00001; ExAC 0.00001.
gnomAD v4.1: 4 of 1,595,462 alleles (0.00025%); highest among the groups gnomAD compares: Admixed American, 0.0067%; no homozygotes.

Submissions (5):

Ambry Genetics
Classification: Uncertain significance for Inborn genetic diseases. Last evaluated: 2026-05-20. Review status: criteria provided, single submitter. Criteria: Ambry Variant Classification Scheme 2023. Collection method: clinical testing. Allele origin: germline.

Women's Health and Genetics/Laboratory Corporation of America, LabCorp
Classification: Uncertain significance. Last evaluated: 2026-02-03. Review status: criteria provided, single submitter. Criteria: LabCorp Variant Classification Summary - May 2015. Collection method: clinical testing. Allele origin: germline.
Comment: Variant summary: COL12A1 c.7721C>G (p.Pro2574Arg) results in a non-conservative amino acid change in the encoded protein sequence. Algorithms developed to predict the effect of missense changes on protein structure and function are either unavailable or do not agree on the potential impact of this missense change. The variant allele was found at a frequency of 4.1e-06 in 245724 control chromosomes. The available data on variant occurrences in the general population are insufficient to allow any conclusion about variant significance. To our knowledge, no occurrence of c.7721C>G in individuals affected with COL12A1-related conditions and no experimental evidence demonstrating its impact on protein function have been reported. ClinVar contains an entry for this variant (Variation ID: 1327784). Based on the evidence outlined above, the variant was classified as uncertain significance.

Labcorp Genetics (formerly Invitae), Labcorp
Classification: Uncertain significance for Bethlem myopathy 2; Ullrich congenital muscular dystrophy 2. Last evaluated: 2025-10-24. Review status: criteria provided, single submitter. Criteria: Invitae Variant Classification Sherloc (09022015). Collection method: clinical testing. Allele origin: germline.
Comment: This sequence change replaces proline, which is neutral and non-polar, with arginine, which is basic and polar, at codon 2574 of the COL12A1 protein (p.Pro2574Arg). This variant is present in population databases (rs770613686, gnomAD 0.003%). This variant has not been reported in the literature in individuals affected with COL12A1-related conditions. ClinVar contains an entry for this variant (Variation ID: 1327784). Invitae Evidence Modeling of protein sequence and biophysical properties (such as structural, functional, and spatial information, amino acid conservation, physicochemical variation, residue mobility, and thermodynamic stability) indicates that this missense variant is not expected to disrupt COL12A1 protein function with a negative predictive value of 80%. In summary, the available evidence is currently insufficient to determine the role of this variant in disease. Therefore, it has been classified as a Variant of Uncertain Significance.

Revvity Omics, Revvity
Classification: Uncertain significance. Last evaluated: 2024-09-18. Review status: criteria provided, single submitter. Criteria: ACMG Guidelines, 2015. Collection method: clinical testing. Allele origin: germline.

GeneDx
Classification: Uncertain significance. Last evaluated: 2021-06-08. Review status: criteria provided, single submitter. Criteria: GeneDx Variant Classification Process June 2021. Collection method: clinical testing. Allele origin: germline. Affected: yes.
Comment: Has not been previously published as pathogenic or benign to our knowledge; Not observed at significant frequency in large population cohorts (Lek et al., 2016); In silico analysis supports that this missense variant has a deleterious effect on protein structure/function; This variant is associated with the following publications: (PMID: 27535533)

NM_004370.6(COL12A1):c.7721C>G (p.Pro2574Arg)

Gene: COL12A1 (collagen type XII alpha 1 chain; minus strand). Cytogenetic location: 6q13.
Variant type: single nucleotide variant.
Coding change: c.7721C>G on transcript NM_004370.6 (MANE Select); coding-DNA position 7721, C replaced by G.
Protein change: p.Pro2574Arg; replaces proline 2574 with arginine.
Molecular consequence: missense variant.
Genome position (GRCh38, 1-based): chr6:75,113,721, G>C on the plus strand (C>G on the coding strand, the complement: COL12A1 is on the minus strand). VCF-style: chr6-75113721-G-C. GRCh37 (hg19) VCF-style: chr6-75823437-G-C.
Other names: c.4229C>G, p.Pro1410Arg (NM_080645.3); short protein forms P1410R, P2574R.
Identifiers: ClinVar variation 1327784 (VCV001327784.13), dbSNP rs770613686, ClinGen allele CA3892470.